The following is an entry in ClinVar:

ClinVar aggregate classification (germline): Uncertain significance (1 of 4 stars; one submission).

Submission:

GeneDx
Classification: Uncertain significance. Last evaluated: 2019-11-05. Review status: criteria provided, single submitter. Criteria: GeneDx Variant Classification Process June 2021. Collection method: clinical testing. Allele origin: germline. Affected: yes.
Comment: Not observed in large population cohorts (Lek et al., 2016); In silico analysis, which includes protein predictors and evolutionary conservation, supports a deleterious effect; Has not been previously published as pathogenic or benign to our knowledge

NM_002691.4(POLD1):c.787T>C (p.Cys263Arg)

Gene: POLD1 (DNA polymerase delta 1, catalytic subunit; plus strand). Cytogenetic location: 19q13.33.
Variant type: single nucleotide variant.
Coding change: c.787T>C on transcript NM_002691.4 (MANE Select); coding-DNA position 787, T replaced by C.
Protein change: p.Cys263Arg; replaces cysteine 263 with arginine.
Molecular consequence: missense variant. On other transcripts: non-coding transcript variant (1).
Genome position (GRCh38, 1-based): chr19:50,402,482, T>C. VCF-style: chr19-50402482-T-C. GRCh37 (hg19) VCF-style: chr19-50905739-T-C.
Other names: c.787T>C, p.Cys263Arg (NM_001256849.1, NM_001308632.1); short protein forms C263R.
Identifiers: ClinVar variation 1304139 (VCV001304139.2), dbSNP rs2122250073, ClinGen allele CA406974890.